The following is an entry in ClinVar:

NM_025137.4(SPG11):c.6043G>A (p.Asp2015Asn)

Gene: SPG11 (SPG11 vesicle trafficking associated, spatacsin; minus strand). Cytogenetic location: 15q21.1.
Variant type: single nucleotide variant.
Coding change: c.6043G>A on transcript NM_025137.4 (MANE Select); coding-DNA position 6043, G replaced by A.
Protein change: p.Asp2015Asn; replaces aspartic acid 2015 with asparagine.
Molecular consequence: missense variant. On other transcripts: intron variant (1).
Genome position (GRCh38, 1-based): chr15:44,573,709, C>T on the plus strand (G>A on the coding strand, the complement: SPG11 is on the minus strand). VCF-style: chr15-44573709-C-T. GRCh37 (hg19) VCF-style: chr15-44865907-C-T.
Other names: c.5867-889G>A (NM_001160227.2); short protein forms D2015N.
Identifiers: ClinVar variation 466550 (VCV000466550.16), dbSNP rs771242219, ClinGen allele CA7534272.
Genomic context (GRCh38, chr15:44,573,709, plus strand): 5'-CTCGTTTGCATCGGTCAGGCTGCTGAGAGGCCAAGATTTTCCGGAGCATGGCTTCACCAT[C>T]CTGAGCAGCAACATCTGTGTAGGAACAGCCCAACTCCTGAGAGGAAGACAAAGCCAGTCA-3'
Protein context (NP_079413.3, residues 2005-2025): GCSYTDVAAQ[Asp2015Asn]GEAMLRKILA

ClinVar aggregate classification (germline): Uncertain significance. Review status: criteria provided, multiple submitters, no conflicts (2 of 4 stars). 8 submissions from 6 submitters: Uncertain significance (8). Last evaluated 2025-10-01.

Conditions:
Inborn genetic diseases. Identifiers: MedGen C0950123, MeSH D030342.
Amyotrophic lateral sclerosis type 5 (ALS5). Also called: AMYOTROPHIC LATERAL SCLEROSIS 5, JUVENILE. Identifiers: Orphanet 300605, MedGen C1865864, MONDO:0011196, OMIM 602099.
Hereditary spastic paraplegia 11. Also called: SPASTIC PARAPLEGIA, AUTOSOMAL RECESSIVE, COMPLICATED, WITH THIN CORPUS CALLOSUM; SPASTIC PARAPLEGIA, AUTOSOMAL RECESSIVE, WITH MENTAL IMPAIRMENT AND THIN CORPUS CALLOSUM; Spastic Paraplegia 11; Nakamura Osame syndrome; Autosomal recessive hereditary spastic paraplegia, mental impairment, and thin corpus callosum; Spastic paraplegia, mental retardation and thin corpus callosum. Identifiers: Orphanet 2822, MedGen C1858479, MONDO:0011445, OMIM 604360.
Charcot-Marie-Tooth disease axonal type 2X. Also called: CHARCOT-MARIE-TOOTH DISEASE, AXONAL, AUTOSOMAL RECESSIVE, TYPE 2X; CHARCOT-MARIE-TOOTH NEUROPATHY, TYPE 2X. Identifiers: Orphanet 466775, MedGen C5569024, MONDO:0014726, OMIM 616668.

Allele frequency attached by ClinVar (database versions not stated): ExAC 0.00001; TOPMed 0.00003; gnomAD 0.00004; gnomAD exomes 0.00004 and 0.00009.
gnomAD v4.1: 146 of 1,614,080 alleles (0.009%); highest among the groups gnomAD compares: East Asian, 0.011%; no homozygotes.

Submissions (8):

CeGaT Center for Human Genetics Tuebingen
Classification: Uncertain significance. Last evaluated: 2025-10-01. Review status: criteria provided, single submitter. Criteria: CeGaT Center For Human Genetics Tuebingen Variant Classification Criteria Version 2. Collection method: clinical testing. Allele origin: germline. Affected: yes. Observed: 1 variant allele.
Comment: SPG11: PM2

Women's Health and Genetics/Laboratory Corporation of America, LabCorp
Classification: Uncertain significance. Last evaluated: 2024-08-16. Review status: criteria provided, single submitter. Criteria: LabCorp Variant Classification Summary - May 2015. Collection method: clinical testing. Allele origin: germline.
Comment: Variant summary: SPG11 c.6043G>A (p.Asp2015Asn) results in a conservative amino acid change in the encoded protein sequence. Four of five in-silico tools predict a damaging effect of the variant on protein function. The variant allele was found at a frequency of 3.6e-05 in 251298 control chromosomes. The available data on variant occurrences in the general population are insufficient to allow any conclusion about variant significance. c.6043G>A has been reported in the literature in a heterozygous individual affected with Amyotrophic lateral sclerosis (Nishiyama_2017). These report(s) do not provide unequivocal conclusions about association of the variant with Hereditary Spastic Paraplegia, Type 11. To our knowledge, no experimental evidence demonstrating an impact on protein function has been reported. The following publication has been ascertained in the context of this evaluation (PMID: 28160950). ClinVar contains an entry for this variant (Variation ID: 466550). Based on the evidence outlined above, the variant was classified as uncertain significance.

Labcorp Genetics (formerly Invitae), Labcorp
Classification: Uncertain significance for Hereditary spastic paraplegia 11. Last evaluated: 2022-09-01. Review status: criteria provided, single submitter. Criteria: Invitae Variant Classification Sherloc (09022015). Collection method: clinical testing. Allele origin: germline.
Comment: This sequence change replaces aspartic acid, which is acidic and polar, with asparagine, which is neutral and polar, at codon 2015 of the SPG11 protein (p.Asp2015Asn). This variant is present in population databases (rs771242219, gnomAD 0.007%). This missense change has been observed in individual(s) with amyotrophic lateral sclerosis (PMID: 28160950). ClinVar contains an entry for this variant (Variation ID: 466550). Algorithms developed to predict the effect of missense changes on protein structure and function are either unavailable or do not agree on the potential impact of this missense change (SIFT: "Deleterious"; PolyPhen-2: "Possibly Damaging"; Align-GVGD: "Class C0"). In summary, the available evidence is currently insufficient to determine the role of this variant in disease. Therefore, it has been classified as a Variant of Uncertain Significance.

Ambry Genetics
Classification: Uncertain significance for Inborn genetic diseases. Last evaluated: 2019-12-27. Review status: criteria provided, single submitter. Criteria: Ambry Variant Classification Scheme 2023. Collection method: clinical testing. Allele origin: germline.
Comment: The p.D2015N variant (also known as c.6043G>A), located in coding exon 32 of the SPG11 gene, results from a G to A substitution at nucleotide position 6043. The aspartic acid at codon 2015 is replaced by asparagine, an amino acid with highly similar properties. This amino acid position is well conserved in available vertebrate species. In addition, this alteration is predicted to be tolerated by in silico analysis. Since supporting evidence is limited at this time, the clinical significance of this alteration remains unclear.

Fulgent Genetics
Classification: Uncertain significance for Amyotrophic lateral sclerosis type 5; Hereditary spastic paraplegia 11; Charcot-Marie-Tooth disease axonal type 2X. Last evaluated: 2018-10-31. Review status: criteria provided, single submitter. Criteria: ACMG Guidelines, 2015. Collection method: clinical testing. Allele origin: unknown.

Genome-Nilou Lab
Classification: Uncertain significance for Amyotrophic lateral sclerosis type 5. Review status: criteria provided, single submitter. Criteria: ACMG Guidelines, 2015. Collection method: clinical testing. Allele origin: germline.

Genome-Nilou Lab
Classification: Uncertain significance for Charcot-Marie-Tooth disease axonal type 2X. Review status: criteria provided, single submitter. Criteria: ACMG Guidelines, 2015. Collection method: clinical testing. Allele origin: germline.

Genome-Nilou Lab
Classification: Uncertain significance for Hereditary spastic paraplegia 11. Review status: criteria provided, single submitter. Criteria: ACMG Guidelines, 2015. Collection method: clinical testing. Allele origin: germline.

Literature cited by the submitters: PubMed 28160950 (cited by Women's Health and Genetics/Laboratory Corporation of America, LabCorp and Labcorp Genetics (formerly Invitae), Labcorp).